The following is an entry in ClinVar:

ClinVar aggregate classification (germline): Pathogenic (1 of 4 stars; one submission).

Conditions:
Glycogen storage disease, type II (IOPD). Also called: Pompe Disease; CARDIOMEGALIA GLYCOGENICA DIFFUSA; GLYCOGENOSIS, GENERALIZED, CARDIAC FORM; GSD II; POMPE DISEASE, INFANTILE-ONSET; GLYCOGEN STORAGE DISEASE II, INFANTILE-ONSET. Identifiers: Orphanet 365, MedGen C0017921, MONDO:0009290, OMIM 232300.

Submission:

Genomenon, Inc
Classification: Pathogenic for Glycogen storage disease, type II. Last evaluated: 2026-07-01. Review status: criteria provided, single submitter. Criteria: Genomenon Sequence Variant Interpretation Standards - Updated. Collection method: curation. Allele origin: germline. Affected: yes.
Comment: GAA p.Leu769TrpfsTer12 (c.2304del) is a frameshift variant that is predicted to introduce a premature termination codon and result in a truncated or absent protein product. This variant has been observed in at least one proband with a GAA-related disorder (PMID:31606152). It is absent or not present at a significant frequency in gnomAD. In conclusion, we classify GAA p.Leu769TrpfsTer12 (c.2304del) as a pathogenic variant.

Literature cited by the submitters: PubMed 31606152.

NM_000152.5(GAA):c.2304del (p.Leu769fs)

Gene: GAA (alpha glucosidase; plus strand). Cytogenetic location: 17q25.3.
Variant type: Deletion.
Coding change: c.2304del on transcript NM_000152.5 (MANE Select); coding-DNA position 2304, one base deleted (C; older notation c.2304delC).
Protein change: p.Leu769fs; shifts the reading frame from leucine 769.
Molecular consequence: frameshift variant.
Genome position (GRCh38, 1-based): chr17:80,117,082, C deleted; the last of 4 consecutive C bases (chr17:80,117,079-80,117,082); deleting any one gives the same sequence. VCF-style (leftmost placement, unchanged base first): chr17-80117078-TC-T. GRCh37 (hg19) VCF-style: chr17-78090877-TC-T.
Other names: c.2304del, p.Leu769fs (NM_001079804.3, NM_001406741.1, NM_001406742.1 and 1 more transcripts); short protein forms L769fs.
Identifiers: ClinVar variation 4876595 (VCV004876595.1).